The following is an entry in ClinVar:

NM_138694.4(PKHD1):c.3637A>T (p.Ile1213Phe)

Gene: PKHD1 (PKHD1 ciliary IPT domain containing fibrocystin/polyductin; minus strand). Cytogenetic location: 6p12.2.
Variant type: single nucleotide variant.
Coding change: c.3637A>T on transcript NM_138694.4 (MANE Select); coding-DNA position 3637, A replaced by T.
Protein change: p.Ile1213Phe; replaces isoleucine 1213 with phenylalanine.
Molecular consequence: missense variant.
Genome position (GRCh38, 1-based): chr6:52,026,173, T>A on the plus strand (A>T on the coding strand, the complement: PKHD1 is on the minus strand). VCF-style: chr6-52026173-T-A. GRCh37 (hg19) VCF-style: chr6-51890971-T-A.
Other names: c.3637A>T, p.Ile1213Phe (NM_170724.3); short protein forms I1213F.
Identifiers: ClinVar variation 2150381 (VCV002150381.1), dbSNP rs749598401, ClinGen allele CA3852871.

ClinVar aggregate classification (germline): Uncertain significance (1 of 4 stars; one submission).

Conditions:
Autosomal recessive polycystic kidney disease (ARPKD). Also called: AR polycystic kidney disease. Identifiers: Orphanet 731, Orphanet 8378, MedGen C0085548, MeSH D017044, MONDO:0009889.

gnomAD v4.1: 9 of 1,613,934 alleles (0.00056%); highest among the groups gnomAD compares: Admixed American, 0.0017%; no homozygotes.

Submission:

Labcorp Genetics (formerly Invitae), Labcorp
Classification: Uncertain significance for Autosomal recessive polycystic kidney disease. Last evaluated: 2022-05-07. Review status: criteria provided, single submitter. Criteria: Invitae Variant Classification Sherloc (09022015). Collection method: clinical testing. Allele origin: germline.
Comment: This sequence change replaces isoleucine, which is neutral and non-polar, with phenylalanine, which is neutral and non-polar, at codon 1213 of the PKHD1 protein (p.Ile1213Phe). This variant is present in population databases (rs749598401, gnomAD 0.006%). This variant has not been reported in the literature in individuals affected with PKHD1-related conditions. Advanced modeling of protein sequence and biophysical properties (such as structural, functional, and spatial information, amino acid conservation, physicochemical variation, residue mobility, and thermodynamic stability) performed at Invitae indicates that this missense variant is not expected to disrupt PKHD1 protein function. In summary, the available evidence is currently insufficient to determine the role of this variant in disease. Therefore, it has been classified as a Variant of Uncertain Significance.